The following is an entry in ClinVar:

NM_001174147.2(LMX1B):c.422T>C (p.Phe141Ser)

Gene: LMX1B (LIM homeobox transcription factor 1 beta; plus strand). Cytogenetic location: 9q33.3.
Variant type: single nucleotide variant.
Coding change: c.422T>C on transcript NM_001174147.2 (MANE Select); coding-DNA position 422, T replaced by C.
Protein change: p.Phe141Ser; replaces phenylalanine 141 with serine.
Molecular consequence: missense variant.
Genome position (GRCh38, 1-based): chr9:126,690,931, T>C. VCF-style: chr9-126690931-T-C. GRCh37 (hg19) VCF-style: chr9-129453210-T-C.
Other names: c.422T>C (NM_002316.3); c.422T>C, p.Phe141Ser (NM_001174146.2, NM_002316.4); short protein forms F141S.
Identifiers: ClinVar variation 4904485 (VCV004904485.2).

ClinVar aggregate classification (germline): Uncertain significance. Review status: criteria provided, multiple submitters, no conflicts (2 of 4 stars). 2 submissions from 2 submitters: Uncertain significance (2). Last evaluated 2026-03-04.

Submissions (2):

GeneDx
Classification: Uncertain significance. Last evaluated: 2026-03-04. Review status: criteria provided, single submitter. Criteria: GeneDx Variant Classification Process June 2021. Collection method: clinical testing. Allele origin: germline.
Comment: Not observed at significant frequency in large population cohorts (gnomAD); In silico analysis supports that this missense variant has a deleterious effect on protein structure/function; Has not been previously published as pathogenic or benign to our knowledge

Blueprint Genetics
Classification: Uncertain significance. Last evaluated: 2021-11-09. Review status: criteria provided, single submitter. Criteria: ACMG Guidelines, 2015. Collection method: clinical testing. Allele origin: germline.